The following is an entry in ClinVar:

NM_001673.5(ASNS):c.1283A>G (p.Tyr428Cys)

Genes: ASNS (asparagine synthetase (glutamine-hydrolyzing); minus strand), CZ1P-ASNS (CZ1P-ASNS readthrough; minus strand). Cytogenetic location: 7q21.3.
Variant type: single nucleotide variant.
Coding change: c.1283A>G on transcript NM_001673.5 (MANE Select); coding-DNA position 1283, A replaced by G.
Protein change: p.Tyr428Cys; replaces tyrosine 428 with cysteine.
Molecular consequence: missense variant. On other transcripts: non-coding transcript variant (1).
Genome position (GRCh38, 1-based): chr7:97,853,342, T>C on the plus strand (A>G on the coding strand, the complement: ASNS is on the minus strand). VCF-style: chr7-97853342-T-C. GRCh37 (hg19) VCF-style: chr7-97482654-T-C.
Other names: c.1220A>G, p.Tyr407Cys (NM_001178075.2); c.1034A>G, p.Tyr345Cys (NM_001178076.2, NM_001178077.1); c.1283A>G, p.Tyr428Cys (NM_001352496.2, NM_133436.3, NM_183356.4); short protein forms Y345C, Y407C, Y428C.
Identifiers: ClinVar variation 1299080 (VCV001299080.38), dbSNP rs1791279467, ClinGen allele CA368265151.

ClinVar aggregate classification (germline): Conflicting classifications of pathogenicity. Review status: criteria provided, conflicting classifications (1 of 4 stars). 3 submissions from 3 submitters: Likely pathogenic (1); Uncertain significance (2). Last evaluated 2025-08-07.

Conditions:
Congenital microcephaly - severe encephalopathy - progressive cerebral atrophy syndrome. Also called: Asparagine synthetase deficiency; ASNS DEFICIENCY. Identifiers: Orphanet 391376, MedGen C3809971, MONDO:0014258, OMIM 615574.

Allele frequency attached by ClinVar (database versions not stated): gnomAD exomes below 0.00001.
gnomAD v4.1: 1 of 1,613,442 alleles (0.000062%); highest among the groups gnomAD compares: Non-Finnish European, 0.000085%; no homozygotes.

Submissions (3):

Myriad Genetics, Inc.
Classification: Uncertain significance for Congenital microcephaly - severe encephalopathy - progressive cerebral atrophy syndrome. Last evaluated: 2025-08-07. Review status: criteria provided, single submitter. Criteria: Myriad Autosomal Dominant, Autosomal Recessive and X-Linked Classification Criteria (2023). Collection method: clinical testing. Allele origin: unknown.
Comment: NM_001673.4(ASNS):c.1283A>G(Y428C) is a missense variant classified as a variant of uncertain significance in the context of asparagine synthetase deficiency. Y428C has been observed in cases with relevant disease (PMID: 32564386, 38527509). Relevant functional assessments of this variant are not available in the literature. Y428C has not been observed in referenced population frequency databases. In summary, there is insufficient evidence to classify NM_001673.4(ASNS):c.1283A>G(Y428C) as pathogenic or benign. Please note: this variant was assessed in the context of healthy population screening.

Labcorp Genetics (formerly Invitae), Labcorp
Classification: Uncertain significance. Last evaluated: 2021-10-16. Review status: criteria provided, single submitter. Criteria: Invitae Variant Classification Sherloc (09022015). Collection method: clinical testing. Allele origin: germline.
Comment: This sequence change replaces tyrosine with cysteine at codon 428 of the ASNS protein (p.Tyr428Cys). The tyrosine residue is highly conserved and there is a large physicochemical difference between tyrosine and cysteine. This variant is not present in population databases (ExAC no frequency). This variant has not been reported in the literature in individuals affected with ASNS-related conditions. Advanced modeling of protein sequence and biophysical properties (such as structural, functional, and spatial information, amino acid conservation, physicochemical variation, residue mobility, and thermodynamic stability) performed at Invitae indicates that this missense variant is expected to disrupt ASNS protein function. In summary, the available evidence is currently insufficient to determine the role of this variant in disease. Therefore, it has been classified as a Variant of Uncertain Significance.

CeGaT Center for Human Genetics Tuebingen
Classification: Likely pathogenic. Last evaluated: 2021-08-01. Review status: criteria provided, single submitter. Criteria: CeGaT Center For Human Genetics Tuebingen Variant Classification Criteria Version 2. Collection method: clinical testing. Allele origin: germline. Affected: yes. Observed: 2 variant alleles.

Literature cited by the submitters: PubMed 32564386 (cited by Myriad Genetics, Inc.); PubMed 38527509 (cited by Myriad Genetics, Inc.).